The following is an entry in ClinVar:

NM_017780.4(CHD7):c.3712G>A (p.Val1238Ile)

Gene: CHD7 (chromodomain helicase DNA binding protein 7; plus strand). Cytogenetic location: 8q12.2.
Variant type: single nucleotide variant.
Coding change: c.3712G>A on transcript NM_017780.4 (MANE Select); coding-DNA position 3712, G replaced by A.
Protein change: p.Val1238Ile; replaces valine 1238 with isoleucine.
Molecular consequence: missense variant. On other transcripts: intron variant (1).
Genome position (GRCh38, 1-based): chr8:60,830,511, G>A. VCF-style: chr8-60830511-G-A. GRCh37 (hg19) VCF-style: chr8-61743070-G-A.
Other names: c.3712G>A (NM_017780.2); c.1717-31718G>A (NM_001316690.1); short protein forms V1238I.
Identifiers: ClinVar variation 194547 (VCV000194547.13), dbSNP rs794727150, ClinGen allele CA240568.
Genomic context (GRCh38, chr8:60,830,511, plus strand): 5'-TACCGAGCCATCCTTGAGAAGAATTTCACATTTCTTTCCAAAGGCGGTGGTCAAGCTAAC[G>A]TACCTAACCTATTAAACACTATGATGGAATTGCGGAAGTGCTGCAATCATCCGTACCTTA-3'
Protein context (NP_060250.2, residues 1228-1248): FLSKGGGQAN[Val1238Ile]PNLLNTMMEL

ClinVar aggregate classification (germline): Uncertain significance. Review status: criteria provided, multiple submitters, no conflicts (2 of 4 stars). 4 submissions from 4 submitters: Uncertain significance (4). Last evaluated 2024-10-25.

Conditions:
CHARGE syndrome (CHARGE). Also called: Coloboma, heart anomaly, choanal atresia, retardation, genital and ear anomalies; CHARGE association; Hall-Hittner syndrome; CHARGE ASSOCIATION--COLOBOMA, HEART ANOMALY, CHOANAL ATRESIA, RETARDATION, GENITAL AND EAR ANOMALIES; Hittner Hirsch Kreh syndrome. Identifiers: Orphanet 138, MedGen C0265354, MONDO:0008965.

Allele frequency attached by ClinVar (database versions not stated): gnomAD exomes below 0.00001; gnomAD 0.00001.
gnomAD v4.1: 4 of 1,613,764 alleles (0.00025%); highest among the groups gnomAD compares: Non-Finnish European, 0.00025%; no homozygotes.

Submissions (4):

Labcorp Genetics (formerly Invitae), Labcorp
Classification: Uncertain significance for CHARGE syndrome. Last evaluated: 2024-10-25. Review status: criteria provided, single submitter. Criteria: Invitae Variant Classification Sherloc (09022015). Collection method: clinical testing. Allele origin: germline.
Comment: This sequence change replaces valine, which is neutral and non-polar, with isoleucine, which is neutral and non-polar, at codon 1238 of the CHD7 protein (p.Val1238Ile). This variant is not present in population databases (gnomAD no frequency). This variant has not been reported in the literature in individuals affected with CHD7-related conditions. ClinVar contains an entry for this variant (Variation ID: 194547). Invitae Evidence Modeling of protein sequence and biophysical properties (such as structural, functional, and spatial information, amino acid conservation, physicochemical variation, residue mobility, and thermodynamic stability) indicates that this missense variant is not expected to disrupt CHD7 protein function with a negative predictive value of 95%. In summary, the available evidence is currently insufficient to determine the role of this variant in disease. Therefore, it has been classified as a Variant of Uncertain Significance.

GeneDx
Classification: Uncertain significance. Last evaluated: 2023-05-01. Review status: criteria provided, single submitter. Criteria: GeneDx Variant Classification Process June 2021. Collection method: clinical testing. Allele origin: germline. Affected: yes.
Comment: Not observed at significant frequency in large population cohorts (gnomAD); In silico analysis supports that this missense variant does not alter protein structure/function; Has not been previously published as pathogenic or benign to our knowledge

Centre for Mendelian Genomics, University Medical Centre Ljubljana
Classification: Uncertain significance for CHD7-related CHARGE syndrome. Last evaluated: 2020-01-28. Review status: criteria provided, single submitter. Criteria: ACMG Guidelines, 2015. Collection method: clinical testing. Allele origin: unknown. Affected: yes.
Comment: This variant was classified as: Uncertain significance. The available evidence on this variant's pathogenicity is insufficient or conflicting. The following ACMG criteria were applied in classifying this variant: PM2.

Eurofins Ntd Llc (ga)
Classification: Uncertain significance. Last evaluated: 2014-12-10. Review status: criteria provided, single submitter. Criteria: EGL Classification Definitions 2015. Collection method: clinical testing. Allele origin: germline. Observed: 2 variant alleles, 2 heterozygotes.